The following is an entry in ClinVar:

ClinVar aggregate classification (germline): Conflicting classifications of pathogenicity. Review status: criteria provided, conflicting classifications (1 of 4 stars). 4 submissions from 4 submitters: Pathogenic (1); Uncertain significance (3). Last evaluated 2026-04-15.

Conditions:
Pigmentary retinal dystrophy. Also called: Fundus albipunctatus. Identifiers: Orphanet 227796, Orphanet 52427, MedGen C0311338, MONDO:0007639, OMIM 136880, HP:0030642.
RDH5-related disorder. Also called: RDH5-related condition.

Allele frequency attached by ClinVar (database versions not stated): TOPMed 0.00001; gnomAD 0.00002 and 0.00003.
gnomAD v4.1: 10 of 1,611,810 alleles (0.00062%); highest among the groups gnomAD compares: East Asian, 0.013%; no homozygotes.

Submissions (4):

Women's Health and Genetics/Laboratory Corporation of America, LabCorp
Classification: Uncertain significance. Last evaluated: 2026-04-15. Review status: criteria provided, single submitter. Criteria: LabCorp Variant Classification Summary - May 2015. Collection method: clinical testing. Allele origin: germline.
Comment: Variant summary: RDH5 c.710A>G (p.Tyr237Cys) results in a non-conservative amino acid change in the encoded protein sequence. Algorithms developed to predict the effect of missense changes on protein structure and function all suggest that this variant is likely to be disruptive. The variant allele was found at a frequency of 1.2e-05 in 248178 control chromosomes (gnomAD). The available data on variant occurrences in the general population are insufficient to allow any conclusion about variant significance. c.710A>G has been observed in an individual affected with Retinitis Punctata Albescens (Liu_2021), as well as 3 related invididuals with fundus albipunctatus where it was in cis with another missense variant (Qian_2022). These data do not allow any conclusion about variant significance. To our knowledge, no experimental evidence demonstrating an impact on protein function has been reported. The following publications have been ascertained in the context of this evaluation (PMID: 33090715, 35148716). ClinVar contains an entry for this variant (Variation ID: 1495586). Based on the evidence outlined above, the variant was classified as uncertain significance.

PreventionGenetics, part of Exact Sciences
Classification: Uncertain significance for RDH5-related condition. Last evaluated: 2025-05-08. Review status: criteria provided, single submitter. Criteria: ACMG Guidelines, 2015. Collection method: clinical testing. Allele origin: germline.
Comment: The RDH5 c.710A>G variant is predicted to result in the amino acid substitution p.Tyr237Cys. This variant was reported in the compound heterozygous state in an individual with autosomal recessive fundus albipunctatus (Table S2 Liu et al. 2020. PubMed ID: 33090715) and as part of a haplotype with RDH5 c.683G > A; p.(Arg228Gln) in three related individuals with autosomal recessive fundus albipunctatus (Qian et al. 2022. PubMed ID: 35148716). This variant is reported in 0.020% of alleles in individuals of East Asian descent in gnomAD. Although we suspect that this variant may be pathogenic, at this time, the clinical significance of this variant is uncertain due to the absence of conclusive functional and genetic evidence.

Labcorp Genetics (formerly Invitae), Labcorp
Classification: Uncertain significance. Last evaluated: 2025-03-17. Review status: criteria provided, single submitter. Criteria: Invitae Variant Classification Sherloc (09022015). Collection method: clinical testing. Allele origin: germline.
Comment: This sequence change replaces tyrosine, which is neutral and polar, with cysteine, which is neutral and slightly polar, at codon 237 of the RDH5 protein (p.Tyr237Cys). This variant is present in population databases (rs774648195, gnomAD 0.02%). This missense change has been observed in individual(s) with retinitis albescens (PMID: 33090715). ClinVar contains an entry for this variant (Variation ID: 1495586). Invitae Evidence Modeling of protein sequence and biophysical properties (such as structural, functional, and spatial information, amino acid conservation, physicochemical variation, residue mobility, and thermodynamic stability) indicates that this missense variant is expected to disrupt RDH5 protein function with a positive predictive value of 80%. In summary, the available evidence is currently insufficient to determine the role of this variant in disease. Therefore, it has been classified as a Variant of Uncertain Significance.

Juno Genomics, Hangzhou Juno Genomics, Inc
Classification: Pathogenic for Pigmentary retinal dystrophy. Review status: criteria provided, single submitter. Criteria: ACMG Guidelines, 2015. Collection method: clinical testing. Allele origin: germline. Affected: yes.
Comment: Absent from controls (or at extremely low frequency if recessive) in Genome Aggregation Database, Exome Sequencing Project, 1000 Genomes Project, or Exome Aggregation Consortium.;Multiple lines of computational evidence support a deleterious effect on the gene or gene product (conservation, evolutionary, splicing impact, etc).;For recessive disorders, detected in trans with a pathogenic variant.;Patient's phenotype or family history is highly specific for a disease with a single genetic etiology.;Co-segregation with disease in multiple affected family members in a gene definitively known to cause the disease.

Literature cited by the submitters: PubMed 33090715 (cited by Women's Health and Genetics/Laboratory Corporation of America, LabCorp and Labcorp Genetics (formerly Invitae), Labcorp); PubMed 35148716 (cited by Women's Health and Genetics/Laboratory Corporation of America, LabCorp).

NM_002905.5(RDH5):c.710A>G (p.Tyr237Cys)

Genes: CD63 (CD63 molecule; minus strand), RDH5 (retinol dehydrogenase 5; plus strand), BLOC1S1-RDH5 (BLOC1S1-RDH5 readthrough; plus strand). Cytogenetic location: 12q13.2.
Variant type: single nucleotide variant.
Coding change: c.710A>G on transcript NM_002905.5 (MANE Select); coding-DNA position 710, A replaced by G.
Protein change: p.Tyr237Cys; replaces tyrosine 237 with cysteine.
Molecular consequence: missense variant. On other transcripts: non-coding transcript variant (1).
Genome position (GRCh38, 1-based): chr12:55,724,026, A>G. VCF-style: chr12-55724026-A-G. GRCh37 (hg19) VCF-style: chr12-56117810-A-G.
Other names: c.710A>G (NM_002905.3); c.710A>G, p.Tyr237Cys (NM_001199771.3); short protein forms Y237C.
Identifiers: ClinVar variation 1495586 (VCV001495586.9), dbSNP rs774648195, ClinGen allele CA6616916.
Genomic context (GRCh38, chr12:55,724,026, plus strand): 5'-GTCTGGAGAAAACCCTGCAGGCCTGCTGGGCACGGCTGCCTCCTGCCACACAGGCCCACT[A>G]TGGGGGGGCCTTCCTCACCAAGTGTGAGTAGCCAGGCCCACACAGGGGCACATGAAGGGA-3'
Protein context (NP_002896.2, residues 227-247): ARLPPATQAH[Tyr237Cys]GGAFLTKYLK